The following is an entry in ClinVar:

NM_000548.5(TSC2):c.1039AAG[1] (p.Lys348del)

Gene: TSC2 (TSC complex subunit 2; plus strand). Cytogenetic location: 16p13.3.
Variant type: Microsatellite.
Coding change: c.1039AAG[1] on transcript NM_000548.5 (MANE Select); one copy of the 3-base unit AAG starting at c.1039; the reference has two copies in a row; one copy, 3 bases deleted.
Protein change: p.Lys348del; deletes lysine 348.
Molecular consequence: inframe deletion. On other transcripts: 5 prime UTR variant (10), non-coding transcript variant (5).
Genome position (GRCh38, 1-based): chr16:2,060,736-2,060,738, AAG deleted; deleting any 3 consecutive bases within chr16:2,060,733-2,060,738 gives the same sequence; the position shown is the placement nearest the transcript's 3' end. VCF-style (leftmost placement, unchanged base first): chr16-2060732-CAAG-C. GRCh37 (hg19) VCF-style: chr16-2110733-CAAG-C.
Other names: c.-274AAG[1] (NM_001406694.1, NM_001406695.1); c.-393AAG[1] (NM_001406696.1, NM_001406697.1, NM_001406689.1 and 4 more transcripts); c.-569AAG[1] (NM_001406698.1); c.1039AAG[1], p.Lys348del (NM_021055.3, NM_001077183.3, NM_001114382.3 and 6 more transcripts); c.928AAG[1], p.Lys311del (NM_001318827.2, NM_001406670.1, NM_001406678.1); c.892AAG[1], p.Lys299del (NM_001318829.2, NM_001406675.1, NM_001406676.1 and 1 more transcripts); c.439AAG[1], p.Lys148del (NM_001318831.2, NM_001406680.1, NM_001406682.1 and 6 more transcripts); c.1072AAG[1], p.Lys359del (NM_001318832.2); and 4 more; short protein forms K344del, K148del, K348del, K359del, K194del, K378del, K299del, K311del.
Identifiers: ClinVar variation 4731926 (VCV004731926.1).

ClinVar aggregate classification (germline): Uncertain significance (1 of 4 stars; one submission).

Conditions:
Tuberous sclerosis 2 (TSC2). Identifiers: Orphanet 805, MedGen C1860707, MONDO:0013199, OMIM 613254.

Submission:

Labcorp Genetics (formerly Invitae), Labcorp
Classification: Uncertain significance for Tuberous sclerosis 2. Last evaluated: 2025-11-25. Review status: criteria provided, single submitter. Criteria: Invitae Variant Classification Sherloc (09022015). Collection method: clinical testing. Allele origin: germline.
Comment: This variant, c.1042_1044del, results in the deletion of 1 amino acid(s) of the TSC2 protein (p.Lys348del), but otherwise preserves the integrity of the reading frame. This variant is not present in population databases (gnomAD no frequency). This variant has not been reported in the literature in individuals affected with TSC2-related conditions. Experimental studies and prediction algorithms are not available or were not evaluated, and the functional significance of this variant is currently unknown. In summary, the available evidence is currently insufficient to determine the role of this variant in disease. Therefore, it has been classified as a Variant of Uncertain Significance.